The following is an entry in ClinVar:

NM_004370.6(COL12A1):c.6278T>C (p.Ile2093Thr)

Gene: COL12A1 (collagen type XII alpha 1 chain; minus strand). Cytogenetic location: 6q13.
Variant type: single nucleotide variant.
Coding change: c.6278T>C on transcript NM_004370.6 (MANE Select); coding-DNA position 6278, T replaced by C.
Protein change: p.Ile2093Thr; replaces isoleucine 2093 with threonine.
Molecular consequence: missense variant.
Genome position (GRCh38, 1-based): chr6:75,128,358, A>G on the plus strand (T>C on the coding strand, the complement: COL12A1 is on the minus strand). VCF-style: chr6-75128358-A-G. GRCh37 (hg19) VCF-style: chr6-75838074-A-G.
Other names: c.6278T>C, p.Ile2093Thr (NM_001424113.1); c.6257T>C, p.Ile2086Thr (NM_001424114.1); c.6005T>C, p.Ile2002Thr (NM_001424115.1); c.2786T>C, p.Ile929Thr (NM_001424116.1, NM_080645.3); c.6278T>C (NM_004370.5); short protein forms I2002T, I2086T, I2093T, I929T.
Identifiers: ClinVar variation 3751985 (VCV003751985.3).

ClinVar aggregate classification (germline): Uncertain significance. Review status: criteria provided, multiple submitters, no conflicts (2 of 4 stars). 2 submissions from 2 submitters: Uncertain significance (2). Last evaluated 2025-03-26.

Conditions:
Ullrich congenital muscular dystrophy 2 (UCMD2). Identifiers: Orphanet 75840, MedGen C4225314, MONDO:0014654, OMIM 616470.
Bethlem myopathy 2 (BTHLM2). Identifiers: Orphanet 536516, Orphanet 610, MedGen C4225313, MONDO:0034022, OMIM 616471.
Inborn genetic diseases. Identifiers: MedGen C0950123, MeSH D030342.

gnomAD v4.1: 4 of 1,610,242 alleles (0.00025%); highest among the groups gnomAD compares: Non-Finnish European, 0.00025%; no homozygotes.

Submissions (2):

Ambry Genetics
Classification: Uncertain significance for Inborn genetic diseases. Last evaluated: 2025-03-26. Review status: criteria provided, single submitter. Criteria: Ambry Variant Classification Scheme 2023. Collection method: clinical testing. Allele origin: germline.

Labcorp Genetics (formerly Invitae), Labcorp
Classification: Uncertain significance for Bethlem myopathy 2; Ullrich congenital muscular dystrophy 2. Last evaluated: 2024-06-24. Review status: criteria provided, single submitter. Criteria: Invitae Variant Classification Sherloc (09022015). Collection method: clinical testing. Allele origin: germline.
Comment: This sequence change replaces isoleucine, which is neutral and non-polar, with threonine, which is neutral and polar, at codon 2093 of the COL12A1 protein (p.Ile2093Thr). This variant is present in population databases (no rsID available, gnomAD 0.004%). This variant has not been reported in the literature in individuals affected with COL12A1-related conditions. Advanced modeling of protein sequence and biophysical properties (such as structural, functional, and spatial information, amino acid conservation, physicochemical variation, residue mobility, and thermodynamic stability) has been performed at Invitae for this missense variant, however the output from this modeling did not meet the statistical confidence thresholds required to predict the impact of this variant on COL12A1 protein function. In summary, the available evidence is currently insufficient to determine the role of this variant in disease. Therefore, it has been classified as a Variant of Uncertain Significance.